The following is an entry in ClinVar:

NM_000815.5(GABRD):c.405C>T (p.His135=)

Gene: GABRD (gamma-aminobutyric acid type A receptor subunit delta; plus strand). Cytogenetic location: 1p36.33.
Variant type: single nucleotide variant.
Coding change: c.405C>T on transcript NM_000815.5 (MANE Select); coding-DNA position 405, C replaced by T.
Protein change: p.His135=; no amino-acid change (histidine 135 retained).
Molecular consequence: synonymous variant.
Genome position (GRCh38, 1-based): chr1:2,025,673, C>T. VCF-style: chr1-2025673-C-T. GRCh37 (hg19) VCF-style: chr1-1957112-C-T.
Identifiers: ClinVar variation 460009 (VCV000460009.14), dbSNP rs61742636, ClinGen allele CA534632.

ClinVar aggregate classification (germline): Benign/Likely benign. Review status: criteria provided, multiple submitters, no conflicts (2 of 4 stars). 4 submissions from 4 submitters: Benign (2); Likely benign (2). Last evaluated 2026-06-01.

Conditions:
Epilepsy, idiopathic generalized, susceptibility to, 10. Identifiers: MedGen C2751603, MONDO:0013103, OMIM 613060.
Idiopathic generalized epilepsy. Also called: Generalised epilepsy; EIG. Identifiers: MedGen C0270850, MONDO:0005579, OMIM 600669.

Allele frequency attached by ClinVar (database versions not stated): 1000 Genomes Project 0.00200; 1000 Genomes Project 30x 0.00219; gnomAD exomes 0.00233 and 0.00345; gnomAD 0.00248 and 0.00262; ExAC 0.00260; TOPMed 0.00299; ESP Exome Variant Server 0.00338.
gnomAD v4.1: 5,438 of 1,613,010 alleles (0.34%); highest among the groups gnomAD compares: Non-Finnish European, 0.41%; 16 homozygotes.

Submissions (4):

CeGaT Center for Human Genetics Tuebingen
Classification: Likely benign. Last evaluated: 2026-06-01. Review status: criteria provided, single submitter. Criteria: CeGaT Center For Human Genetics Tuebingen Variant Classification Criteria Version 2. Collection method: clinical testing. Allele origin: germline. Affected: yes. Observed: 1 variant allele.
Comment: GABRD: BP4, BP7, BS2

Labcorp Genetics (formerly Invitae), Labcorp
Classification: Benign for Idiopathic generalized epilepsy. Last evaluated: 2026-02-03. Review status: criteria provided, single submitter. Criteria: Invitae Variant Classification Sherloc (09022015). Collection method: clinical testing. Allele origin: germline.

Fulgent Genetics
Classification: Likely benign for Epilepsy, idiopathic generalized, susceptibility to, 10. Last evaluated: 2022-04-25. Review status: criteria provided, single submitter. Criteria: ACMG Guidelines, 2015. Collection method: clinical testing. Allele origin: unknown.

Breakthrough Genomics
Classification: Benign. Review status: criteria provided, single submitter. Criteria: ACMG Guidelines, 2015. Collection method: not provided. Allele origin: germline. Inheritance: Autosomal dominant inheritance. Affected: yes.